The following is an entry in ClinVar:

ClinVar aggregate classification (germline): Uncertain significance. Review status: criteria provided, multiple submitters, no conflicts (2 of 4 stars). 3 submissions from 3 submitters: Uncertain significance (3). Last evaluated 2025-05-05.

Conditions:
Inborn genetic diseases. Identifiers: MedGen C0950123, MeSH D030342.

Allele frequency attached by ClinVar (database versions not stated): ExAC 0.00001; gnomAD 0.00001; TOPMed 0.00001; gnomAD exomes 0.00012.
gnomAD v4.1: 176 of 1,613,840 alleles (0.011%); highest among the groups gnomAD compares: Non-Finnish European, 0.015%; no homozygotes.

Submissions (3):

Labcorp Genetics (formerly Invitae), Labcorp
Classification: Uncertain significance. Last evaluated: 2025-05-05. Review status: criteria provided, single submitter. Criteria: Invitae Variant Classification Sherloc (09022015). Collection method: clinical testing. Allele origin: germline.
Comment: This sequence change replaces proline, which is neutral and non-polar, with leucine, which is neutral and non-polar, at codon 192 of the SAG protein (p.Pro192Leu). This variant is present in population databases (rs767408754, gnomAD 0.007%). This variant has not been reported in the literature in individuals affected with SAG-related conditions. ClinVar contains an entry for this variant (Variation ID: 1919973). Invitae Evidence Modeling of protein sequence and biophysical properties (such as structural, functional, and spatial information, amino acid conservation, physicochemical variation, residue mobility, and thermodynamic stability) indicates that this missense variant is not expected to disrupt SAG protein function with a negative predictive value of 80%. In summary, the available evidence is currently insufficient to determine the role of this variant in disease. Therefore, it has been classified as a Variant of Uncertain Significance.

Ambry Genetics
Classification: Uncertain significance for Inborn genetic diseases. Last evaluated: 2023-04-13. Review status: criteria provided, single submitter. Criteria: Ambry Variant Classification Scheme 2023. Collection method: clinical testing. Allele origin: germline.

Blueprint Genetics
Classification: Uncertain significance. Last evaluated: 2022-06-17. Review status: criteria provided, single submitter. Criteria: ACMG Guidelines, 2015. Collection method: clinical testing. Allele origin: germline.

NM_000541.5(SAG):c.575C>T (p.Pro192Leu)

Gene: SAG (S-antigen visual arrestin; plus strand). Cytogenetic location: 2q37.1.
Variant type: single nucleotide variant.
Coding change: c.575C>T on transcript NM_000541.5 (MANE Select); coding-DNA position 575, C replaced by T.
Protein change: p.Pro192Leu; replaces proline 192 with leucine.
Molecular consequence: missense variant.
Genome position (GRCh38, 1-based): chr2:233,328,540, C>T. VCF-style: chr2-233328540-C-T. GRCh37 (hg19) VCF-style: chr2-234237186-C-T.
Other names: c.575C>T (NM_000541.4); short protein forms P192L.
Identifiers: ClinVar variation 1919973 (VCV001919973.8), dbSNP rs767408754, ClinGen allele CA2174439.
Genomic context (GRCh38, chr2:233,328,540, plus strand): 5'-GCTCCGTGCGATTACTGATCCGCAAAGTACAGCATGCCCCACTTGAGATGGGTCCCCAGC[C>T]CCGAGCTGAGGCGGCCTGGCAGTTCTTCATGTCTGACAAGCCCCTGCACCTTGCGGTCTC-3'
Protein context (NP_000532.2, residues 182-202): QHAPLEMGPQ[Pro192Leu]RAEAAWQFFM